The following is an entry in ClinVar:

ClinVar aggregate classification (germline): Uncertain significance (1 of 4 stars; one submission).

Submission:

CeGaT Center for Human Genetics Tuebingen
Classification: Uncertain significance. Last evaluated: 2023-08-01. Review status: criteria provided, single submitter. Criteria: CeGaT Center For Human Genetics Tuebingen Variant Classification Criteria Version 2. Collection method: clinical testing. Allele origin: germline. Affected: yes. Observed: 1 variant allele.
Comment: GABRG2: PM2, PP3

NM_198904.4(GABRG2):c.1304G>C (p.Gly435Ala)

Gene: GABRG2 (gamma-aminobutyric acid type A receptor subunit gamma2; plus strand). Cytogenetic location: 5q34.
Variant type: single nucleotide variant.
Coding change: c.1304G>C on transcript NM_198904.4 (MANE Select); coding-DNA position 1304, G replaced by C.
Protein change: p.Gly435Ala; replaces glycine 435 with alanine.
Molecular consequence: missense variant. On other transcripts: 3 prime UTR variant (1).
Genome position (GRCh38, 1-based): chr5:162,153,244, G>C. VCF-style: chr5-162153244-G-C. GRCh37 (hg19) VCF-style: chr5-161580250-G-C.
Other names: c.1280G>C, p.Gly427Ala (NM_000816.3); c.1295G>C, p.Gly432Ala (NM_001375339.1); c.*138G>C (NM_001375340.1); c.1301G>C, p.Gly434Ala (NM_001375341.1); c.1277G>C, p.Gly426Ala (NM_001375342.1); c.1400G>C, p.Gly467Ala (NM_001375343.1); c.1343G>C, p.Gly448Ala (NM_001375344.1); c.1214G>C, p.Gly405Ala (NM_001375345.1); and 6 more; short protein forms G287A, G295A, G332A, G405A, G406A, G413A, G426A, G427A.
Identifiers: ClinVar variation 2656023 (VCV002656023.24), dbSNP rs2532775367, ClinGen allele CA362183748.